The following is an entry in ClinVar:

ClinVar aggregate classification (germline): Likely benign. Review status: criteria provided, multiple submitters, no conflicts (2 of 4 stars). 2 submissions from 2 submitters: Likely benign (2). Last evaluated 2026-07-07.

Conditions:
Rhabdoid tumor predisposition syndrome 2 (RTPS2). Identifiers: Orphanet 231108, Orphanet 69077, MedGen C2750074, MONDO:0013224, OMIM 613325.

Allele frequency attached by ClinVar (database versions not stated): gnomAD exomes below 0.00001.
gnomAD v4.1: 5 of 1,613,770 alleles (0.00031%); highest among the groups gnomAD compares: Non-Finnish European, 0.00042%; no homozygotes.

Submissions (2):

Myriad Genetics, Inc.
Classification: Likely benign for Rhabdoid tumor predisposition syndrome 2. Last evaluated: 2026-07-07. Review status: criteria provided, single submitter. Criteria: Myriad Autosomal Dominant, Autosomal Recessive and X-Linked Classification Criteria (2023). Collection method: clinical testing. Allele origin: unknown.
Comment: This variant is considered likely benign. This variant is intronic and is not expected to impact mRNA splicing.

Labcorp Genetics (formerly Invitae), Labcorp
Classification: Likely benign for Rhabdoid tumor predisposition syndrome 2. Last evaluated: 2025-11-04. Review status: criteria provided, single submitter. Criteria: Invitae Variant Classification Sherloc (09022015). Collection method: clinical testing. Allele origin: germline.

NM_003072.5(SMARCA4):c.1944-6T>C

Gene: SMARCA4 (SWI/SNF related BAF chromatin remodeling complex subunit ATPase 4; plus strand). Cytogenetic location: 19p13.2.
Variant type: single nucleotide variant.
Coding change: c.1944-6T>C on transcript NM_003072.5 (MANE Select); 6 bases into the intron before coding-DNA position 1944, T replaced by C.
Molecular consequence: intron variant.
Genome position (GRCh38, 1-based): chr19:11,003,334, T>C. VCF-style: chr19-11003334-T-C. GRCh37 (hg19) VCF-style: chr19-11114010-T-C.
Other names: c.1944-6T>C (NM_001128844.3, NM_001128849.3, NM_001128847.4 and 5 more transcripts).
Identifiers: ClinVar variation 415139 (VCV000415139.12), dbSNP rs1060504459, ClinGen allele CA16616141.